The following is an entry in ClinVar:

NM_006739.4(MCM5):c.1073T>C (p.Phe358Ser)

Gene: MCM5 (minichromosome maintenance complex component 5; plus strand). Cytogenetic location: 22q12.3.
Variant type: single nucleotide variant.
Coding change: c.1073T>C on transcript NM_006739.4 (MANE Select); coding-DNA position 1073, T replaced by C.
Protein change: p.Phe358Ser; replaces phenylalanine 358 with serine.
Molecular consequence: missense variant.
Genome position (GRCh38, 1-based): chr22:35,412,663, T>C. VCF-style: chr22-35412663-T-C. GRCh37 (hg19) VCF-style: chr22-35808656-T-C.
Other names: c.1073T>C (NM_006739.3); short protein forms F358S.
Identifiers: ClinVar variation 2154201 (VCV002154201.5), dbSNP rs1014411328, ClinGen allele CA323491197.

ClinVar aggregate classification (germline): Uncertain significance. Review status: criteria provided, multiple submitters, no conflicts (2 of 4 stars). 2 submissions from 2 submitters: Uncertain significance (2). Last evaluated 2024-09-03.

Allele frequency attached by ClinVar (database versions not stated): gnomAD exomes below 0.00001.
gnomAD v4.1: 9 of 1,507,614 alleles (0.0006%); highest among the groups gnomAD compares: Admixed American, 0.0063%; no homozygotes.

Submissions (2):

Ambry Genetics
Classification: Uncertain significance. Last evaluated: 2024-09-03. Review status: criteria provided, single submitter. Criteria: Ambry Variant Classification Scheme 2023. Collection method: clinical testing. Allele origin: germline.

Labcorp Genetics (formerly Invitae), Labcorp
Classification: Uncertain significance. Last evaluated: 2024-02-17. Review status: criteria provided, single submitter. Criteria: Invitae Variant Classification Sherloc (09022015). Collection method: clinical testing. Allele origin: germline.
Comment: This sequence change replaces phenylalanine, which is neutral and non-polar, with serine, which is neutral and polar, at codon 358 of the MCM5 protein (p.Phe358Ser). This variant is present in population databases (no rsID available, gnomAD 0.01%). This variant has not been reported in the literature in individuals affected with MCM5-related conditions. ClinVar contains an entry for this variant (Variation ID: 2154201). Advanced modeling of protein sequence and biophysical properties (such as structural, functional, and spatial information, amino acid conservation, physicochemical variation, residue mobility, and thermodynamic stability) performed at Invitae indicates that this missense variant is expected to disrupt MCM5 protein function with a positive predictive value of 80%. In summary, the available evidence is currently insufficient to determine the role of this variant in disease. Therefore, it has been classified as a Variant of Uncertain Significance.